The following is an entry in ClinVar:

ClinVar aggregate classification (germline): Uncertain significance (1 of 4 stars; one submission).

Conditions:
Arrhythmogenic right ventricular dysplasia 11. Also called: ARRHYTHMOGENIC RIGHT VENTRICULAR DYSPLASIA, FAMILIAL, 11; Arrhythmogenic Right Ventricular Dysplasia/Cardiomyopathy11; Arrhythmogenic right ventricular dysplasia 11 with mild palmoplantar keratoderma and woolly hair. Identifiers: MedGen C1864850, MONDO:0012506, OMIM 610476.

Submission:

Labcorp Genetics (formerly Invitae), Labcorp
Classification: Uncertain significance for Arrhythmogenic right ventricular dysplasia 11. Last evaluated: 2023-02-08. Review status: criteria provided, single submitter. Criteria: Invitae Variant Classification Sherloc (09022015). Collection method: clinical testing. Allele origin: germline.
Comment: This sequence change falls in intron 3 of the DSC2 gene. It does not directly change the encoded amino acid sequence of the DSC2 protein. This variant is not present in population databases (gnomAD no frequency). This variant has not been reported in the literature in individuals affected with DSC2-related conditions. Algorithms developed to predict the effect of sequence changes on RNA splicing suggest that this variant may disrupt the consensus splice site. In summary, the available evidence is currently insufficient to determine the role of this variant in disease. Therefore, it has been classified as a Variant of Uncertain Significance.

NM_024422.6(DSC2):c.355-9T>A

Gene: DSC2 (desmocollin 2; minus strand). Cytogenetic location: 18q12.1.
Variant type: single nucleotide variant.
Coding change: c.355-9T>A on transcript NM_024422.6 (MANE Select); 9 bases into the intron before coding-DNA position 355, T replaced by A.
Molecular consequence: intron variant.
Genome position (GRCh38, 1-based): chr18:31,091,156, A>T on the plus strand (T>A on the coding strand, the complement: DSC2 is on the minus strand). VCF-style: chr18-31091156-A-T. GRCh37 (hg19) VCF-style: chr18-28671119-A-T.
Other names: c.355-9T>A (NM_004949.5); c.-75-9T>A (NM_001406506.1, NM_001406507.1).
Identifiers: ClinVar variation 2835314 (VCV002835314.3), dbSNP rs925436741, ClinGen allele CA2739268626.